The following is an entry in ClinVar:

NM_032888.4(COL27A1):c.4561G>T (p.Glu1521Ter)

Gene: COL27A1 (collagen type XXVII alpha 1 chain; plus strand). Cytogenetic location: 9q32.
Variant type: single nucleotide variant.
Coding change: c.4561G>T on transcript NM_032888.4 (MANE Select); coding-DNA position 4561, G replaced by T.
Protein change: p.Glu1521Ter; replaces glutamic acid 1521 with a stop codon.
Molecular consequence: nonsense.
Genome position (GRCh38, 1-based): chr9:114,292,187, G>T. VCF-style: chr9-114292187-G-T. GRCh37 (hg19) VCF-style: chr9-117054467-G-T.
Other names: short protein forms E1521*.
Identifiers: ClinVar variation 2725215 (VCV002725215.3), dbSNP rs1164929312, ClinGen allele CA374590443.
Genomic context (GRCh38, chr9:114,292,187, plus strand): 5'-CTGGGTCCCCCTGGCAAGCGAGGAACAGAGGGCAGAACGGGGCTCCCTGGAAACCAGGGG[G>T]AGCCTGGGTCCAAAGGCCAGCCGGTGAGTGAGCGCCAAAGAATACACATGCCCACGCACT-3'

ClinVar aggregate classification (germline): Pathogenic (1 of 4 stars; one submission).

Submission:

Labcorp Genetics (formerly Invitae), Labcorp
Classification: Pathogenic. Last evaluated: 2023-06-23. Review status: criteria provided, single submitter. Criteria: Invitae Variant Classification Sherloc (09022015). Collection method: clinical testing. Allele origin: germline.
Comment: This sequence change creates a premature translational stop signal (p.Glu1521*) in the COL27A1 gene. It is expected to result in an absent or disrupted protein product. Loss-of-function variants in COL27A1 are known to be pathogenic (PMID: 24986830, 28276056). This variant is not present in population databases (gnomAD no frequency). This variant has not been reported in the literature in individuals affected with COL27A1-related conditions. For these reasons, this variant has been classified as Pathogenic.

Literature cited by the submitters: PubMed 24986830; PubMed 28276056.